The following is an entry in ClinVar:

NM_053025.4(MYLK):c.2592del (p.Asp865fs)

Gene: MYLK (myosin light chain kinase; minus strand). Cytogenetic location: 3q21.1.
Variant type: Deletion.
Coding change: c.2592del on transcript NM_053025.4 (MANE Select); coding-DNA position 2592, one base deleted (A; older notation c.2592delA).
Protein change: p.Asp865fs; shifts the reading frame from aspartic acid 865.
Molecular consequence: frameshift variant.
Genome position (GRCh38, 1-based): chr3:123,700,876, T deleted on the plus strand (A on the coding strand, the reverse complement: MYLK is on the minus strand); the first of 2 consecutive T bases (chr3:123,700,876-123,700,877); deleting either gives the same sequence. VCF-style (leftmost placement, unchanged base first): chr3-123700875-CT-C. GRCh37 (hg19) VCF-style: chr3-123419722-CT-C.
Other names: c.2064del, p.Asp689fs (NM_001321309.2); c.2385del, p.Asp796fs (NM_053026.4, NM_053028.4); c.2592del, p.Asp865fs (NM_053027.4); short protein forms D689fs, D796fs, D865fs.
Identifiers: ClinVar variation 2780738 (VCV002780738.3), dbSNP rs1260530451, ClinGen allele CA546174386.
Genomic context (GRCh38, chr3:123,700,875, plus strand): 5'-CCTCAGTGTGCTGCCTCGTCTCCACGCGCCTCTTCAGCACCCCTCGCACGTCCTCGCCGT[CT>C]TCCTCCTCTAGCCAACCCTGCCCTCTTGCTGGCCAGCCAGGCCTCAGGGACCCATAGCGG-3'

ClinVar aggregate classification (germline): Uncertain significance (1 of 4 stars; one submission).

Conditions:
Aortic aneurysm, familial thoracic 7 (AAT7). Also called: AORTIC DISSECTION, FAMILIAL, WITH OR WITHOUT AORTIC ANEURYSM. Identifiers: MedGen C3151077, MONDO:0013418, OMIM 613780.

Submission:

Labcorp Genetics (formerly Invitae), Labcorp
Classification: Uncertain significance for Aortic aneurysm, familial thoracic 7. Last evaluated: 2023-03-19. Review status: criteria provided, single submitter. Criteria: Invitae Variant Classification Sherloc (09022015). Collection method: clinical testing. Allele origin: germline.
Comment: This variant is present in population databases (no rsID available, gnomAD 0.0009%). This sequence change creates a premature translational stop signal (p.Asp865Thrfs*9) in the MYLK gene. This variant occurs in the long isoform of MYLK (PMID: 21055718). The current clinical and genetic evidence is not sufficient to establish whether loss-of-function variants in the long isoform of MYLK cause disease. This variant has not been reported in the literature in individuals affected with MYLK-related conditions. In summary, the available evidence is currently insufficient to determine the role of this variant in disease. Therefore, it has been classified as a Variant of Uncertain Significance.

Literature cited by the submitters: PubMed 21055718.